The following is an entry in ClinVar:

ClinVar aggregate classification (germline): Uncertain significance (1 of 4 stars; one submission).

Conditions:
Luscan-Lumish syndrome. Identifiers: Orphanet 597738, MedGen C4085873, MONDO:0014791, OMIM 616831.

Allele frequency attached by ClinVar (database versions not stated): gnomAD exomes 0.00001.
gnomAD v4.1: 20 of 1,614,128 alleles (0.0012%); highest among the groups gnomAD compares: Non-Finnish European, 0.0017%; no homozygotes.

Submission:

Labcorp Genetics (formerly Invitae), Labcorp
Classification: Uncertain significance for Luscan-Lumish syndrome. Last evaluated: 2020-07-01. Review status: criteria provided, single submitter. Criteria: Invitae Variant Classification Sherloc (09022015). Collection method: clinical testing. Allele origin: germline.
Comment: In summary, the available evidence is currently insufficient to determine the role of this variant in disease. Therefore, it has been classified as a Variant of Uncertain Significance. Algorithms developed to predict the effect of missense changes on protein structure and function are either unavailable or do not agree on the potential impact of this missense change (SIFT: "Deleterious"; PolyPhen-2: "Benign"; Align-GVGD: "Class C0"). This variant has not been reported in the literature in individuals with SETD2-related conditions. This variant is not present in population databases (ExAC no frequency). This sequence change replaces proline with serine at codon 1950 of the SETD2 protein (p.Pro1950Ser). The proline residue is moderately conserved and there is a moderate physicochemical difference between proline and serine.

NM_014159.7(SETD2):c.5848C>T (p.Pro1950Ser)

Gene: SETD2 (SET domain containing 2, histone lysine methyltransferase; minus strand). Cytogenetic location: 3p21.31.
Variant type: single nucleotide variant.
Coding change: c.5848C>T on transcript NM_014159.7 (MANE Select); coding-DNA position 5848, C replaced by T.
Protein change: p.Pro1950Ser; replaces proline 1950 with serine.
Molecular consequence: missense variant. On other transcripts: non-coding transcript variant (1).
Genome position (GRCh38, 1-based): chr3:47,083,932, G>A on the plus strand (C>T on the coding strand, the complement: SETD2 is on the minus strand). VCF-style: chr3-47083932-G-A. GRCh37 (hg19) VCF-style: chr3-47125422-G-A.
Other names: c.5716C>T, p.Pro1906Ser (NM_001349370.3); short protein forms P1906S, P1950S.
Identifiers: ClinVar variation 1046077 (VCV001046077.5), dbSNP rs2041427730, ClinGen allele CA352533185.